The following is an entry in ClinVar:

NM_177438.3(DICER1):c.2024T>C (p.Leu675Pro)

Gene: DICER1 (dicer 1, ribonuclease III; minus strand). Cytogenetic location: 14q32.13.
Variant type: single nucleotide variant.
Coding change: c.2024T>C on transcript NM_177438.3 (MANE Select); coding-DNA position 2024, T replaced by C.
Protein change: p.Leu675Pro; replaces leucine 675 with proline.
Molecular consequence: missense variant.
Genome position (GRCh38, 1-based): chr14:95,113,108, A>G on the plus strand (T>C on the coding strand, the complement: DICER1 is on the minus strand). VCF-style: chr14-95113108-A-G. GRCh37 (hg19) VCF-style: chr14-95579445-A-G.
Other names: c.2024T>C, p.Leu675Pro (NM_001195573.1, NM_001271282.3, NM_001291628.2 and 1 more transcripts); c.2024T>C (NM_177438.2); short protein forms L675P.
Identifiers: ClinVar variation 1054124 (VCV001054124.11), dbSNP rs2140087643, ClinGen allele CA390883182.
Genomic context (GRCh38, chr14:95,113,108, plus strand): 5'-GACACATTTTAAAAGATAACAATCATTTCTTCTTCTAAACTTACAACAATGGAGGCTCGA[A>G]GAGGTGAGTTAATTGGCAGATAAAGAGTTGAATAAAATGTACCATCAGGCAACTCTCGGG-3'
Protein context (NP_803187.1, residues 665-685): STLYLPINSP[Leu675Pro]RASIVGPPMS

ClinVar aggregate classification (germline): Uncertain significance. Review status: criteria provided, multiple submitters, no conflicts (2 of 4 stars). 2 submissions from 2 submitters: Uncertain significance (2). Last evaluated 2024-08-12.

Conditions:
Hereditary cancer-predisposing syndrome. Also called: Hereditary Cancer Syndrome; Tumor predisposition; Hereditary neoplastic syndrome; Neoplastic Syndromes, Hereditary. Identifiers: Orphanet 140162, MedGen C0027672, MeSH D009386, MONDO:0015356.
DICER1-related tumor predisposition. Also called: DICER1-related pleuropulmonary blastoma cancer predisposition syndrome; DICER1 syndrome. Identifiers: Orphanet 284343, MedGen C3839822, MONDO:0100216.

Submissions (2):

Labcorp Genetics (formerly Invitae), Labcorp
Classification: Uncertain significance for DICER1-related tumor predisposition. Last evaluated: 2024-08-12. Review status: criteria provided, single submitter. Criteria: Invitae Variant Classification Sherloc (09022015). Collection method: clinical testing. Allele origin: germline.
Comment: This sequence change replaces leucine, which is neutral and non-polar, with proline, which is neutral and non-polar, at codon 675 of the DICER1 protein (p.Leu675Pro). This variant is not present in population databases (gnomAD no frequency). This variant has not been reported in the literature in individuals affected with DICER1-related conditions. ClinVar contains an entry for this variant (Variation ID: 1054124). Advanced modeling of protein sequence and biophysical properties (such as structural, functional, and spatial information, amino acid conservation, physicochemical variation, residue mobility, and thermodynamic stability) performed at Invitae indicates that this missense variant is expected to disrupt DICER1 protein function with a positive predictive value of 80%. In summary, the available evidence is currently insufficient to determine the role of this variant in disease. Therefore, it has been classified as a Variant of Uncertain Significance.

Ambry Genetics
Classification: Uncertain significance for Hereditary cancer-predisposing syndrome. Last evaluated: 2024-06-30. Review status: criteria provided, single submitter. Criteria: Ambry Variant Classification Scheme 2023. Collection method: clinical testing. Allele origin: germline.
Comment: The p.L675P variant (also known as c.2024T>C), located in coding exon 11 of the DICER1 gene, results from a T to C substitution at nucleotide position 2024. The leucine at codon 675 is replaced by proline, an amino acid with similar properties. This amino acid position is conserved. In addition, this alteration is predicted to be deleterious by in silico analysis. Based on the available evidence, the clinical significance of this variant remains unclear.